The following is an entry in ClinVar:

NM_006922.4(SCN3A):c.2257G>T (p.Val753Leu)

Gene: SCN3A (sodium voltage-gated channel alpha subunit 3; minus strand). Cytogenetic location: 2q24.3.
Variant type: single nucleotide variant.
Coding change: c.2257G>T on transcript NM_006922.4 (MANE Select); coding-DNA position 2257, G replaced by T.
Protein change: p.Val753Leu; replaces valine 753 with leucine.
Molecular consequence: missense variant.
Genome position (GRCh38, 1-based): chr2:165,138,013, C>A on the plus strand (G>T on the coding strand, the complement: SCN3A is on the minus strand). VCF-style: chr2-165138013-C-A. GRCh37 (hg19) VCF-style: chr2-165994523-C-A.
Other names: c.2110G>T, p.Val704Leu (NM_001081676.2, NM_001081677.2); short protein forms V753L, V704L.
Identifiers: ClinVar variation 4056845 (VCV004056845.1).
Genomic context (GRCh38, chr2:165,138,013, plus strand): 5'-TTAAGACAATGCAAATAGTGATGGCAAGATCAACAAATGGATCCATAACAATTAAATTCA[C>A]AAGATGTTTTACTTTTAACCATGCATCACAGCAGTCCCAGATCAAGAACACATTGGCAAA-3'
Protein context (NP_008853.3, residues 743-763): CDAWLKVKHL[Val753Leu]NLIVMDPFVD

ClinVar aggregate classification (germline): Uncertain significance (1 of 4 stars; one submission).

Submission:

GeneDx
Classification: Uncertain significance. Last evaluated: 2025-01-12. Review status: criteria provided, single submitter. Criteria: GeneDx Variant Classification Process June 2021. Collection method: clinical testing. Allele origin: germline. Affected: yes.
Comment: Not observed at significant frequency in large population cohorts (gnomAD); In silico analysis supports that this missense variant has a deleterious effect on protein structure/function; Has not been previously published as pathogenic or benign to our knowledge